The following is an entry in ClinVar:

NM_001080517.3(SETD5):c.2932C>T (p.Arg978Trp)

Gene: SETD5 (SET domain containing 5; plus strand). Cytogenetic location: 3p25.3.
Variant type: single nucleotide variant.
Coding change: c.2932C>T on transcript NM_001080517.3 (MANE Select); coding-DNA position 2932, C replaced by T.
Protein change: p.Arg978Trp; replaces arginine 978 with tryptophan.
Molecular consequence: missense variant.
Genome position (GRCh38, 1-based): chr3:9,470,666, C>T. VCF-style: chr3-9470666-C-T. GRCh37 (hg19) VCF-style: chr3-9512350-C-T.
Other names: c.2638C>T, p.Arg880Trp (NM_001292043.2, NM_001349451.2); short protein forms R978W, R880W.
Identifiers: ClinVar variation 1357522 (VCV001357522.29), dbSNP rs532266433, ClinGen allele CA2239579.

ClinVar aggregate classification (germline): Likely benign. Review status: criteria provided, multiple submitters, no conflicts (2 of 4 stars). 2 submissions from 2 submitters: Likely benign (2). Last evaluated 2026-04-01.

Allele frequency attached by ClinVar (database versions not stated): gnomAD exomes 0.00001 and 0.00006; gnomAD 0.00003; TOPMed 0.00003; ExAC 0.00008.
gnomAD v4.1: 28 of 1,613,842 alleles (0.0017%); highest among the groups gnomAD compares: East Asian, 0.025%; no homozygotes.

Submissions (2):

CeGaT Center for Human Genetics Tuebingen
Classification: Likely benign. Last evaluated: 2026-04-01. Review status: criteria provided, single submitter. Criteria: CeGaT Center For Human Genetics Tuebingen Variant Classification Criteria Version 2. Collection method: clinical testing. Allele origin: germline. Affected: yes. Observed: 2 variant alleles.
Comment: SETD5: BS2

Labcorp Genetics (formerly Invitae), Labcorp
Classification: Likely benign. Last evaluated: 2025-02-15. Review status: criteria provided, single submitter. Criteria: Invitae Variant Classification Sherloc (09022015). Collection method: clinical testing. Allele origin: germline.